The following is an entry in ClinVar:

ClinVar aggregate classification (germline): Uncertain significance (1 of 4 stars; one submission).

Allele frequency attached by ClinVar (database versions not stated): ExAC 0.00006.
gnomAD v4.1: 3 of 1,614,064 alleles (0.00019%); highest among the groups gnomAD compares: East Asian, 0.0067%; no homozygotes.

Submission:

Labcorp Genetics (formerly Invitae), Labcorp
Classification: Uncertain significance. Last evaluated: 2024-03-21. Review status: criteria provided, single submitter. Criteria: Invitae Variant Classification Sherloc (09022015). Collection method: clinical testing. Allele origin: germline.
Comment: This sequence change replaces serine, which is neutral and polar, with isoleucine, which is neutral and non-polar, at codon 292 of the TRIP4 protein (p.Ser292Ile). This variant is present in population databases (rs781264670, gnomAD 0.04%). This variant has not been reported in the literature in individuals affected with TRIP4-related conditions. ClinVar contains an entry for this variant (Variation ID: 2174921). Advanced modeling of protein sequence and biophysical properties (such as structural, functional, and spatial information, amino acid conservation, physicochemical variation, residue mobility, and thermodynamic stability) performed at Invitae indicates that this missense variant is not expected to disrupt TRIP4 protein function with a negative predictive value of 80%. In summary, the available evidence is currently insufficient to determine the role of this variant in disease. Therefore, it has been classified as a Variant of Uncertain Significance.

NM_016213.5(TRIP4):c.875G>T (p.Ser292Ile)

Gene: TRIP4 (thyroid hormone receptor interactor 4; plus strand). Cytogenetic location: 15q22.31.
Variant type: single nucleotide variant.
Coding change: c.875G>T on transcript NM_016213.5 (MANE Select); coding-DNA position 875, G replaced by T.
Protein change: p.Ser292Ile; replaces serine 292 with isoleucine.
Molecular consequence: missense variant. On other transcripts: non-coding transcript variant (1).
Genome position (GRCh38, 1-based): chr15:64,409,660, G>T. VCF-style: chr15-64409660-G-T. GRCh37 (hg19) VCF-style: chr15-64701859-G-T.
Other names: c.185G>T, p.Ser62Ile (NM_001321924.2); short protein forms S292I, S62I.
Identifiers: ClinVar variation 2174921 (VCV002174921.4), dbSNP rs781264670, ClinGen allele CA7609495.